The following is an entry in ClinVar:

NM_002972.4(SBF1):c.3801C>T (p.Phe1267=)

Gene: SBF1 (SET binding factor 1; minus strand). Cytogenetic location: 22q13.33.
Variant type: single nucleotide variant.
Coding change: c.3801C>T on transcript NM_002972.4 (MANE Select); coding-DNA position 3801, C replaced by T.
Protein change: p.Phe1267=; no amino-acid change (phenylalanine 1267 retained).
Molecular consequence: synonymous variant.
Genome position (GRCh38, 1-based): chr22:50,459,280, G>A on the plus strand (C>T on the coding strand, the complement: SBF1 is on the minus strand). VCF-style: chr22-50459280-G-A. GRCh37 (hg19) VCF-style: chr22-50897709-G-A.
Other names: c.3804C>T, p.Phe1268= (NM_001365819.1).
Identifiers: ClinVar variation 1593181 (VCV001593181.33), dbSNP rs536216296, ClinGen allele CA10316559.

ClinVar aggregate classification (germline): Benign/Likely benign. Review status: criteria provided, multiple submitters, no conflicts (2 of 4 stars). 3 submissions from 3 submitters: Benign (1); Likely benign (2). Last evaluated 2024-11-18.

Allele frequency attached by ClinVar (database versions not stated): gnomAD 0.00004 and 0.00035; TOPMed 0.00009; gnomAD exomes 0.00049 and 0.00140; ExAC 0.00178; 1000 Genomes Project 30x 0.00250.

Submissions (3):

Labcorp Genetics (formerly Invitae), Labcorp
Classification: Benign. Last evaluated: 2024-11-18. Review status: criteria provided, single submitter. Criteria: Invitae Variant Classification Sherloc (09022015). Collection method: clinical testing. Allele origin: germline.

Blueprint Genetics
Classification: Likely benign. Last evaluated: 2024-06-25. Review status: criteria provided, single submitter. Criteria: ACMG Guidelines, 2015. Collection method: clinical testing. Allele origin: germline.

CeGaT Center for Human Genetics Tuebingen
Classification: Likely benign. Last evaluated: 2023-06-01. Review status: criteria provided, single submitter. Criteria: CeGaT Center For Human Genetics Tuebingen Variant Classification Criteria Version 2. Collection method: clinical testing. Allele origin: germline. Affected: yes. Observed: 1 variant allele.
Comment: SBF1: BP4, BP7, BS2